The following is an entry in ClinVar:

ClinVar aggregate classification (germline): Uncertain significance. Review status: criteria provided, multiple submitters, no conflicts (2 of 4 stars). 2 submissions from 2 submitters: Uncertain significance (2). Last evaluated 2025-08-23.

Conditions:
Inborn genetic diseases. Identifiers: MedGen C0950123, MeSH D030342.
Autosomal recessive severe congenital neutropenia due to CSF3R deficiency. Also called: Neutropenia, severe congenital, 7, autosomal recessive. Identifiers: Orphanet 420702, MedGen C4310764, MONDO:0014865, OMIM 617014.

Allele frequency attached by ClinVar (database versions not stated): gnomAD exomes below 0.00001; TOPMed 0.00001.
gnomAD v4.1: 6 of 1,614,212 alleles (0.00037%); highest among the groups gnomAD compares: Admixed American, 0.0067%; no homozygotes.

Submissions (2):

Ambry Genetics
Classification: Uncertain significance for Inborn genetic diseases. Last evaluated: 2025-08-23. Review status: criteria provided, single submitter. Criteria: Ambry Variant Classification Scheme 2023. Collection method: clinical testing. Allele origin: germline.

Labcorp Genetics (formerly Invitae), Labcorp
Classification: Uncertain significance for Autosomal recessive severe congenital neutropenia due to CSF3R deficiency. Last evaluated: 2024-10-17. Review status: criteria provided, single submitter. Criteria: Invitae Variant Classification Sherloc (09022015). Collection method: clinical testing. Allele origin: germline.
Comment: This sequence change replaces leucine, which is neutral and non-polar, with phenylalanine, which is neutral and non-polar, at codon 696 of the CSF3R protein (p.Leu696Phe). This variant is present in population databases (no rsID available, gnomAD 0.01%). This variant has not been reported in the literature in individuals affected with CSF3R-related conditions. ClinVar contains an entry for this variant (Variation ID: 1935286). Invitae Evidence Modeling of protein sequence and biophysical properties (such as structural, functional, and spatial information, amino acid conservation, physicochemical variation, residue mobility, and thermodynamic stability) indicates that this missense variant is not expected to disrupt CSF3R protein function with a negative predictive value of 80%. In summary, the available evidence is currently insufficient to determine the role of this variant in disease. Therefore, it has been classified as a Variant of Uncertain Significance.

NM_000760.4(CSF3R):c.2086C>T (p.Leu696Phe)

Gene: CSF3R (colony stimulating factor 3 receptor; minus strand). Cytogenetic location: 1p34.3.
Variant type: single nucleotide variant.
Coding change: c.2086C>T on transcript NM_000760.4 (MANE Select); coding-DNA position 2086, C replaced by T.
Protein change: p.Leu696Phe; replaces leucine 696 with phenylalanine.
Molecular consequence: missense variant.
Genome position (GRCh38, 1-based): chr1:36,466,782, G>A on the plus strand (C>T on the coding strand, the complement: CSF3R is on the minus strand). VCF-style: chr1-36466782-G-A. GRCh37 (hg19) VCF-style: chr1-36932383-G-A.
Other names: c.2086C>T (NM_000760.3); c.2167C>T, p.Leu723Phe (NM_156039.3); c.2086C>T, p.Leu696Phe (NM_172313.3); short protein forms L696F, L723F.
Identifiers: ClinVar variation 1935286 (VCV001935286.6), dbSNP rs1454505554, ClinGen allele CA339415278.